The following is an entry in ClinVar:

ClinVar aggregate classification (germline): Uncertain significance (1 of 4 stars; one submission).

Allele frequency attached by ClinVar (database versions not stated): ExAC 0.00003.

Submission:

Labcorp Genetics (formerly Invitae), Labcorp
Classification: Uncertain significance. Last evaluated: 2025-03-31. Review status: criteria provided, single submitter. Criteria: Invitae Variant Classification Sherloc (09022015). Collection method: clinical testing. Allele origin: germline.
Comment: This sequence change replaces asparagine, which is neutral and polar, with aspartic acid, which is acidic and polar, at codon 304 of the ZMPSTE24 protein (p.Asn304Asp). This variant is present in population databases (rs201393732, gnomAD 0.008%). This variant has not been reported in the literature in individuals affected with ZMPSTE24-related conditions. ClinVar contains an entry for this variant (Variation ID: 1501218). An algorithm developed to predict the effect of missense changes on protein structure and function (PolyPhen-2) suggests that this variant is likely to be tolerated. In summary, the available evidence is currently insufficient to determine the role of this variant in disease. Therefore, it has been classified as a Variant of Uncertain Significance.

NM_005857.5(ZMPSTE24):c.910A>G (p.Asn304Asp)

Gene: ZMPSTE24 (zinc metallopeptidase STE24; plus strand). Cytogenetic location: 1p34.2.
Variant type: single nucleotide variant.
Coding change: c.910A>G on transcript NM_005857.5 (MANE Select); coding-DNA position 910, A replaced by G.
Protein change: p.Asn304Asp; replaces asparagine 304 with aspartic acid.
Molecular consequence: missense variant.
Genome position (GRCh38, 1-based): chr1:40,281,483, A>G. VCF-style: chr1-40281483-A-G. GRCh37 (hg19) VCF-style: chr1-40747155-A-G.
Other names: short protein forms N304D.
Identifiers: ClinVar variation 1501218 (VCV001501218.5), dbSNP rs201393732, ClinGen allele CA791108.